The following is an entry in ClinVar:

NM_001379500.1(COL18A1):c.2763A>C (p.Lys921Asn)

Genes: COL18A1 (collagen type XVIII alpha 1 chain; plus strand), SLC19A1 (solute carrier family 19 member 1; minus strand). Cytogenetic location: 21q22.3.
Variant type: single nucleotide variant.
Coding change: c.2763A>C on transcript NM_001379500.1 (MANE Select); coding-DNA position 2763, A replaced by C.
Protein change: p.Lys921Asn; replaces lysine 921 with asparagine.
Molecular consequence: missense variant.
Genome position (GRCh38, 1-based): chr21:45,504,451, A>C. VCF-style: chr21-45504451-A-C. GRCh37 (hg19) VCF-style: chr21-46924365-A-C.
Other names: NM_130445.2:c.2763A>C; c.3303A>C, p.Lys1101Asn (NM_030582.4); c.4008A>C, p.Lys1336Asn (NM_130444.3); short protein forms K1101N, K1336N, K921N.
Identifiers: ClinVar variation 4975457 (VCV004975457.1).

ClinVar aggregate classification (germline): Uncertain significance (1 of 4 stars; one submission).

gnomAD v4.1: 1 of 1,611,560 alleles (0.000062%); highest among the groups gnomAD compares: Non-Finnish European, 0.000085%; no homozygotes.

Submission:

GeneDx
Classification: Uncertain significance. Last evaluated: 2026-02-03. Review status: criteria provided, single submitter. Criteria: GeneDx Variant Classification Process June 2021. Collection method: clinical testing. Allele origin: germline.
Comment: Not observed at significant frequency in large population cohorts (gnomAD); In silico analysis supports that this missense variant has a deleterious effect on protein structure/function; Has not been previously published as pathogenic or benign to our knowledge